The following is an entry in ClinVar:

NM_001003694.2(BRPF1):c.1303T>C (p.Ser435Pro)

Gene: BRPF1 (bromodomain and PHD finger containing 1; plus strand). Cytogenetic location: 3p25.3.
Variant type: single nucleotide variant.
Coding change: c.1303T>C on transcript NM_001003694.2 (MANE Select); coding-DNA position 1303, T replaced by C.
Protein change: p.Ser435Pro; replaces serine 435 with proline.
Molecular consequence: missense variant. On other transcripts: non-coding transcript variant (1).
Genome position (GRCh38, 1-based): chr3:9,739,702, T>C. VCF-style: chr3-9739702-T-C. GRCh37 (hg19) VCF-style: chr3-9781386-T-C.
Other names: c.1303T>C, p.Ser435Pro (NM_001319049.2, NM_001319050.2, NM_001410704.1 and 1 more transcripts); short protein forms S435P.
Identifiers: ClinVar variation 3393695 (VCV003393695.1).

ClinVar aggregate classification (germline): Uncertain significance (1 of 4 stars; one submission).

Submission:

GeneDx
Classification: Uncertain significance. Last evaluated: 2024-07-02. Review status: criteria provided, single submitter. Criteria: GeneDx Variant Classification Process June 2021. Collection method: clinical testing. Allele origin: germline. Affected: yes.
Comment: Not observed at significant frequency in large population cohorts (gnomAD); In silico analysis indicates that this missense variant does not alter protein structure/function; Has not been previously published as pathogenic or benign to our knowledge